The following is an entry in ClinVar:

NM_006206.6(PDGFRA):c.2155dup (p.Ser719fs)

Gene: PDGFRA (platelet derived growth factor receptor alpha; plus strand). Cytogenetic location: 4q12.
Variant type: Duplication.
Coding change: c.2155dup on transcript NM_006206.6 (MANE Select); coding-DNA position 2155, one base duplicated (A; older notation c.2155dupA).
Protein change: p.Ser719fs; shifts the reading frame from serine 719.
Molecular consequence: frameshift variant.
Genome position (GRCh38, 1-based): chr4:54,278,514, A duplicated. VCF-style (leftmost placement, unchanged base first): chr4-54278513-G-GA. GRCh37 (hg19) VCF-style: chr4-55144680-G-GA.
Other names: c.2155dup, p.Ser719fs (NM_001347827.2, NM_001347829.2); c.2230dup, p.Ser744fs (NM_001347828.2); c.2194dup, p.Ser732fs (NM_001347830.2); short protein forms S719fs, S744fs, S732fs.
Identifiers: ClinVar variation 2829378 (VCV002829378.3), dbSNP rs1560483954, ClinGen allele CA551369829.
Genomic context (GRCh38, chr4:54,278,513, plus strand): 5'-AGAGAAGCCAAAGAAAGAGCTGGATATCTTTGGATTGAACCCTGCTGATGAAAGCACACG[G>GA]AGGTGGGTGCAAAGAGAGATGTTGCTGTCTATCATTATCTTACAGGCATCACAAATGGAA-3'

ClinVar aggregate classification (germline): Uncertain significance (1 of 4 stars; one submission).

Conditions:
Gastrointestinal stromal tumor. Also called: Gastrointestinal stromal tumor, somatic; Gastrointestinal stroma tumor. Identifiers: Orphanet 44890, MedGen C0238198, MeSH D046152, MONDO:0011719, OMIM 606764, HP:0100723.

Submission:

Labcorp Genetics (formerly Invitae), Labcorp
Classification: Uncertain significance for Gastrointestinal stromal tumor. Last evaluated: 2023-01-17. Review status: criteria provided, single submitter. Criteria: Invitae Variant Classification Sherloc (09022015). Collection method: clinical testing. Allele origin: germline.
Comment: In summary, the available evidence is currently insufficient to determine the role of this variant in disease. Therefore, it has been classified as a Variant of Uncertain Significance. This variant has not been reported in the literature in individuals affected with PDGFRA-related conditions. This variant is present in population databases (no rsID available, gnomAD 0.0009%). This sequence change creates a premature translational stop signal (p.Ser719Lysfs*8) in the PDGFRA gene. It is expected to result in an absent or disrupted protein product. However, the current clinical and genetic evidence is not sufficient to establish whether loss-of-function variants in PDGFRA cause disease.